The following is an entry in ClinVar:

ClinVar aggregate classification (germline): Uncertain significance. Review status: criteria provided, multiple submitters, no conflicts (2 of 4 stars). 3 submissions from 3 submitters: Uncertain significance (3). Last evaluated 2025-07-01.

Conditions:
Inborn genetic diseases. Identifiers: MedGen C0950123, MeSH D030342.
Joubert syndrome 23 (JBTS23). Identifiers: Orphanet 475, MedGen C4084822, MONDO:0014664, OMIM 616490.
Short-rib thoracic dysplasia 14 with polydactyly (SRTD14). Identifiers: Orphanet 397715, MedGen C4225286, MONDO:0014688, OMIM 616546.

Allele frequency attached by ClinVar (database versions not stated): gnomAD exomes below 0.00001.
gnomAD v4.1: 1 of 1,610,534 alleles (0.000062%); highest among the groups gnomAD compares: South Asian, 0.0011%; no homozygotes.

Submissions (3):

GeneDx
Classification: Uncertain significance. Last evaluated: 2025-07-01. Review status: criteria provided, single submitter. Criteria: GeneDx Variant Classification Process June 2021. Collection method: clinical testing. Allele origin: germline. Affected: yes.
Comment: Not observed at significant frequency in large population cohorts (gnomAD); In silico analysis supports that this missense variant has a deleterious effect on protein structure/function; Has not been previously published as pathogenic or benign to our knowledge

Ambry Genetics
Classification: Uncertain significance for Inborn genetic diseases. Last evaluated: 2025-05-15. Review status: criteria provided, single submitter. Criteria: Ambry Variant Classification Scheme 2023. Collection method: clinical testing. Allele origin: germline.

Labcorp Genetics (formerly Invitae), Labcorp
Classification: Uncertain significance for Joubert syndrome 23; Short-rib thoracic dysplasia 14 with polydactyly. Last evaluated: 2024-11-13. Review status: criteria provided, single submitter. Criteria: Invitae Variant Classification Sherloc (09022015). Collection method: clinical testing. Allele origin: germline.
Comment: This sequence change replaces leucine, which is neutral and non-polar, with proline, which is neutral and non-polar, at codon 1108 of the KIAA0586 protein (p.Leu1108Pro). This variant is present in population databases (no rsID available, gnomAD 0.003%). This variant has not been reported in the literature in individuals affected with KIAA0586-related conditions. ClinVar contains an entry for this variant (Variation ID: 1054682). Invitae Evidence Modeling of protein sequence and biophysical properties (such as structural, functional, and spatial information, amino acid conservation, physicochemical variation, residue mobility, and thermodynamic stability) indicates that this missense variant is not expected to disrupt KIAA0586 protein function with a negative predictive value of 80%. In summary, the available evidence is currently insufficient to determine the role of this variant in disease. Therefore, it has been classified as a Variant of Uncertain Significance.

NM_001329943.3(KIAA0586):c.3164T>C (p.Leu1055Pro)

Gene: KIAA0586 (KIAA0586; plus strand). Cytogenetic location: 14q23.1.
Variant type: single nucleotide variant.
Coding change: c.3164T>C on transcript NM_001329943.3 (MANE Select); coding-DNA position 3164, T replaced by C.
Protein change: p.Leu1055Pro; replaces leucine 1055 with proline.
Molecular consequence: missense variant.
Genome position (GRCh38, 1-based): chr14:58,487,026, T>C. VCF-style: chr14-58487026-T-C. GRCh37 (hg19) VCF-style: chr14-58953744-T-C.
Other names: c.3323T>C, p.Leu1108Pro (NM_001244189.2); c.3119T>C, p.Leu1040Pro (NM_001244190.2); c.2909T>C, p.Leu970Pro (NM_001244191.2, NM_001329945.2, NM_001364700.1 and 1 more transcripts); c.3032T>C, p.Leu1011Pro (NM_001244192.2); c.2744T>C, p.Leu915Pro (NM_001244193.2); c.3164T>C, p.Leu1055Pro (NM_001329944.2, NM_001329946.2, NM_001329947.2); c.2936T>C, p.Leu979Pro (NM_014749.5); c.2936T>C (NM_014749.3); and 1 more; short protein forms L1011P, L1040P, L1055P, L1108P, L915P, L970P, L979P.
Identifiers: ClinVar variation 1054682 (VCV001054682.11), dbSNP rs1453619075, ClinGen allele CA389880663.